The following is an entry in ClinVar:

ClinVar aggregate classification (germline): Uncertain significance (1 of 4 stars; one submission).

Submission:

Women's Health and Genetics/Laboratory Corporation of America, LabCorp
Classification: Uncertain significance. Last evaluated: 2026-01-13. Review status: criteria provided, single submitter. Criteria: LabCorp Variant Classification Summary - May 2015. Collection method: clinical testing. Allele origin: germline.
Comment: Variant summary: The variant involves the duplication of exons 1-18 in the TCTN2 gene. This duplication includes the entire coding sequence of the gene. As exact breakpoints are unknown, it may extend beyond the annotated region of the gene, to include other flanking genes. A presumed nomenclature of c.(?_-129)_(*687_?)dup has been designated for the purposes of this classification. The variant was absent in 21692 control chromosomes. The available data on variant occurrences in the general population are insufficient to allow any conclusion about variant significance. To our knowledge, no occurrence of c.(?_-129)_(*687_?)dup in individuals affected with TCTN2-related conditions and no experimental evidence demonstrating its impact on protein function have been reported. ClinVar contains an entry for this variant (Variation ID: 830884). Based on the evidence outlined above, the variant was classified as uncertain significance.

NC_000012.11:g.(?_124155659)_(124192947_?)dup

Gene: TCTN2 (tectonic family member 2; plus strand). Cytogenetic location: 12q24.31.
Variant type: Duplication.
Identifiers: ClinVar variation 4689425 (VCV004689425.1).